The following is an entry in ClinVar:

ClinVar aggregate classification (germline): Uncertain significance (1 of 4 stars; one submission).

Submission:

Labcorp Genetics (formerly Invitae), Labcorp
Classification: Uncertain significance. Last evaluated: 2024-04-24. Review status: criteria provided, single submitter. Criteria: Invitae Variant Classification Sherloc (09022015). Collection method: clinical testing. Allele origin: germline.
Comment: This sequence change replaces glutamic acid, which is acidic and polar, with lysine, which is basic and polar, at codon 607 of the ZMIZ1 protein (p.Glu607Lys). This variant is not present in population databases (gnomAD no frequency). This variant has not been reported in the literature in individuals affected with ZMIZ1-related conditions. Advanced modeling of protein sequence and biophysical properties (such as structural, functional, and spatial information, amino acid conservation, physicochemical variation, residue mobility, and thermodynamic stability) performed at Invitae indicates that this missense variant is expected to disrupt ZMIZ1 protein function with a positive predictive value of 80%. In summary, the available evidence is currently insufficient to determine the role of this variant in disease. Therefore, it has been classified as a Variant of Uncertain Significance.

NM_020338.4(ZMIZ1):c.1819G>A (p.Glu607Lys)

Gene: ZMIZ1 (zinc finger MIZ-type containing 1; plus strand). Cytogenetic location: 10q22.3.
Variant type: single nucleotide variant.
Coding change: c.1819G>A on transcript NM_020338.4 (MANE Select); coding-DNA position 1819, G replaced by A.
Protein change: p.Glu607Lys; replaces glutamic acid 607 with lysine.
Molecular consequence: missense variant.
Genome position (GRCh38, 1-based): chr10:79,300,742, G>A. VCF-style: chr10-79300742-G-A. GRCh37 (hg19) VCF-style: chr10-81060499-G-A.
Other names: short protein forms E607K.
Identifiers: ClinVar variation 3650584 (VCV003650584.2).